The following is an entry in ClinVar:

NM_000288.4(PEX7):c.100T>C (p.Cys34Arg)

Gene: PEX7 (peroxisomal biogenesis factor 7; plus strand). Cytogenetic location: 6q23.3.
Variant type: single nucleotide variant.
Coding change: c.100T>C on transcript NM_000288.4 (MANE Select); coding-DNA position 100, T replaced by C.
Protein change: p.Cys34Arg; replaces cysteine 34 with arginine.
Molecular consequence: missense variant.
Genome position (GRCh38, 1-based): chr6:136,822,765, T>C. VCF-style: chr6-136822765-T-C. GRCh37 (hg19) VCF-style: chr6-137143903-T-C.
Other names: short protein forms C34R.
Identifiers: ClinVar variation 4685910 (VCV004685910.1).

ClinVar aggregate classification (germline): Uncertain significance (1 of 4 stars; one submission).

Submission:

ARUP Laboratories, Molecular Genetics and Genomics, ARUP Laboratories
Classification: Uncertain significance. Last evaluated: 2025-06-20. Review status: criteria provided, single submitter. Criteria: ARUP Molecular Germline Variant Investigation Process 2024. Collection method: clinical testing. Allele origin: germline.
Comment: The PEX7 c.100T>C; p.Cys34Arg variant, to our knowledge, is not reported in the medical literature or gene specific databases. This variant is also absent from the Genome Aggregation Database (v2.1.1), indicating it is not a common polymorphism. Computational analyses predict that this variant is deleterious (REVEL: 0.872). However, given the lack of clinical and functional data, the significance of this variant is uncertain at this time.